The following is an entry in ClinVar:

NM_005591.4(MRE11):c.1458_1461del (p.Lys486fs)

Gene: MRE11 (MRE11 double strand break repair nuclease; minus strand). Cytogenetic location: 11q21.
Variant type: Deletion.
Coding change: c.1458_1461del on transcript NM_005591.4 (MANE Select); coding-DNA positions 1458 to 1461, 4 bases deleted (AGAA; older notation c.1458_1461delAGAA).
Protein change: p.Lys486fs; shifts the reading frame from lysine 486.
Molecular consequence: frameshift variant.
Genome position (GRCh38, 1-based): chr11:94,459,447-94,459,450, TTCT deleted on the plus strand (AGAA on the coding strand, the reverse complement: MRE11 is on the minus strand); deleting any 4 consecutive bases within chr11:94,459,447-94,459,452 gives the same sequence; the c. name uses the placement nearest the transcript's 3' end. VCF-style (leftmost placement, unchanged base first): chr11-94459446-GTTCT-G. GRCh37 (hg19) VCF-style: chr11-94192612-GTTCT-G.
Other names: c.1458_1461del, p.Lys486fs (NM_001330347.2, NM_005590.4); short protein forms K486fs.
Identifiers: ClinVar variation 2676681 (VCV002676681.5), dbSNP rs780775598, ClinGen allele CA6235076.

ClinVar aggregate classification (germline): Pathogenic/Likely pathogenic. Review status: criteria provided, multiple submitters, no conflicts (2 of 4 stars). 3 submissions from 3 submitters: Pathogenic (1); Likely pathogenic (2). Last evaluated 2024-03-27.

Conditions:
Ataxia-telangiectasia-like disorder 1 (ATLD1). Identifiers: Orphanet 251347, MedGen C4012790, MONDO:0024557, OMIM 604391.
Ataxia-telangiectasia-like disorder (ATLD). Identifiers: MedGen C1858391, MONDO:0011457.

Submissions (3):

Fulgent Genetics
Classification: Likely pathogenic for Ataxia-telangiectasia-like disorder 1. Last evaluated: 2024-03-27. Review status: criteria provided, single submitter. Criteria: ACMG Guidelines, 2015. Collection method: clinical testing. Allele origin: germline.

Baylor Genetics
Classification: Likely pathogenic for Ataxia-telangiectasia-like disorder 1. Last evaluated: 2023-08-29. Review status: criteria provided, single submitter. Criteria: ACMG Guidelines, 2015. Collection method: clinical testing. Allele origin: unknown.

Labcorp Genetics (formerly Invitae), Labcorp
Classification: Pathogenic for Ataxia-telangiectasia-like disorder. Last evaluated: 2023-06-15. Review status: criteria provided, single submitter. Criteria: Invitae Variant Classification Sherloc (09022015). Collection method: clinical testing. Allele origin: germline.
Comment: This sequence change creates a premature translational stop signal (p.Lys486Asnfs*37) in the MRE11 gene. It is expected to result in an absent or disrupted protein product. Loss-of-function variants in MRE11 are known to be pathogenic (PMID: 23080121, 23912341). This variant is present in population databases (rs780775598, gnomAD 0.0009%). This variant has not been reported in the literature in individuals affected with MRE11-related conditions. For these reasons, this variant has been classified as Pathogenic.

Literature cited by the submitters: PubMed 23080121 (cited by Labcorp Genetics (formerly Invitae), Labcorp); PubMed 23912341 (cited by Labcorp Genetics (formerly Invitae), Labcorp).